The following is an entry in ClinVar:

NM_007294.4(BRCA1):c.1250A>C (p.Asn417Thr)

Gene: BRCA1 (BRCA1 DNA repair associated; minus strand). Cytogenetic location: 17q21.31.
Variant type: single nucleotide variant.
Coding change: c.1250A>C on transcript NM_007294.4 (MANE Select); coding-DNA position 1250, A replaced by C.
Protein change: p.Asn417Thr; replaces asparagine 417 with threonine.
Molecular consequence: missense variant. On other transcripts: intron variant (137).
Genome position (GRCh38, 1-based): chr17:43,094,281, T>G on the plus strand (A>C on the coding strand, the complement: BRCA1 is on the minus strand). VCF-style: chr17-43094281-T-G. GRCh37 (hg19) VCF-style: chr17-41246298-T-G.
Other names: c.1037A>C, p.Asn346Thr (NM_001407571.1, NM_001407853.1, NM_001407894.1 and 9 more transcripts); c.1250A>C, p.Asn417Thr (NM_001407581.1, NM_001407582.1, NM_001407583.1 and 30 more transcripts); c.1247A>C, p.Asn416Thr (NM_001407587.1, NM_001407590.1, NM_001407591.1 and 22 more transcripts); c.1241A>C, p.Asn414Thr (NM_001407646.1, NM_001407647.1); c.1127A>C, p.Asn376Thr (NM_001407648.1, NM_001407664.1, NM_001407665.1 and 19 more transcripts); c.1124A>C, p.Asn375Thr (NM_001407649.1, NM_001407670.1, NM_001407671.1 and 11 more transcripts); c.1172A>C, p.Asn391Thr (NM_001407653.1, NM_001407654.1, NM_001407655.1 and 4 more transcripts); c.1169A>C, p.Asn390Thr (NM_001407659.1, NM_001407660.1, NM_001407661.1 and 1 more transcripts); and 40 more; short protein forms N289T, N329T, N349T, N390T, N391T, N414T, N121T, N347T.
Identifiers: ClinVar variation 1760542 (VCV001760542.6), dbSNP rs80357113, ClinGen allele CA10599553.

ClinVar aggregate classification (germline): Conflicting classifications of pathogenicity. Review status: criteria provided, conflicting classifications (1 of 4 stars). 3 submissions from 3 submitters: Uncertain significance (2); Likely benign (1). Last evaluated 2025-08-28.

Conditions:
Hereditary cancer-predisposing syndrome. Also called: Neoplastic Syndromes, Hereditary; Tumor predisposition; Hereditary Cancer Syndrome; Hereditary neoplastic syndrome. Identifiers: Orphanet 140162, MedGen C0027672, MeSH D009386, MONDO:0015356.
Hereditary breast ovarian cancer syndrome. Also called: Hereditary breast and/or ovarian cancer syndrome; Hereditary breast and ovarian cancer syndrome; Breast and ovarian cancer; Hereditary breast and ovarian cancer; BRCA1- and BRCA2-Associated Hereditary Breast and Ovarian Cancer; Hereditary breast and ovarian cancer syndrome (HBOC). Identifiers: Orphanet 145, MedGen C0677776, MeSH D061325, MONDO:0003582. Disease mechanism: loss of function.

Submissions (3):

Labcorp Genetics (formerly Invitae), Labcorp
Classification: Uncertain significance for Hereditary breast ovarian cancer syndrome. Last evaluated: 2025-08-28. Review status: criteria provided, single submitter. Criteria: Invitae Variant Classification Sherloc (09022015). Collection method: clinical testing. Allele origin: germline.
Comment: This sequence change replaces asparagine, which is neutral and polar, with threonine, which is neutral and polar, at codon 417 of the BRCA1 protein (p.Asn417Thr). This variant is not present in population databases (gnomAD no frequency). This variant has not been reported in the literature in individuals affected with BRCA1-related conditions. ClinVar contains an entry for this variant (Variation ID: 1760542). Invitae Evidence Modeling of protein sequence and biophysical properties (such as structural, functional, and spatial information, amino acid conservation, physicochemical variation, residue mobility, and thermodynamic stability) has been performed for this missense variant. However, the output from this modeling did not meet the statistical confidence thresholds required to predict the impact of this variant on BRCA1 protein function. In summary, the available evidence is currently insufficient to determine the role of this variant in disease. Therefore, it has been classified as a Variant of Uncertain Significance.

Ambry Genetics
Classification: Uncertain significance for Hereditary cancer-predisposing syndrome. Last evaluated: 2024-06-05. Review status: criteria provided, single submitter. Criteria: Ambry Variant Classification Scheme 2023. Collection method: clinical testing. Allele origin: germline.
Comment: The p.N417T variant (also known as c.1250A>C), located in coding exon 9 of the BRCA1 gene, results from an A to C substitution at nucleotide position 1250. The asparagine at codon 417 is replaced by threonine, an amino acid with similar properties. This amino acid position is conserved. In addition, the in silico prediction for this alteration is inconclusive. Since supporting evidence is limited at this time, the clinical significance of this alteration remains unclear.

University of Washington Department of Laboratory Medicine, University of Washington
Classification: Likely benign for Hereditary cancer-predisposing syndrome. Last evaluated: 2023-03-23. Review status: criteria provided, single submitter. Criteria: Dines et al. (Genet Med. 2020). Collection method: curation. Allele origin: germline.
Comment: Missense variant in a coldspot region where missense variants are very unlikely to be pathogenic (PMID:31911673).

BRCA1 coldspot (exon 11 using historical exon numbering). Reclassification based on statistical prior probability